The following is an entry in ClinVar:

ClinVar aggregate classification (germline): Uncertain significance (1 of 4 stars; one submission).

Conditions:
Primary dilated cardiomyopathy (DCM). Also called: Dilated Cardiomyopathy. Identifiers: Orphanet 217604, MedGen C0007193, MeSH D002311, MONDO:0005021, HP:0001644. Inheritance: Various modes of inheritance.
Hypertrophic cardiomyopathy. Also called: HYPERTROPHIC MYOCARDIOPATHY. Identifiers: Orphanet 217569, MedGen C0007194, MeSH D002312, MONDO:0005045, HP:0001639.

Allele frequency attached by ClinVar (database versions not stated): TOPMed below 0.00001.

Submission:

Labcorp Genetics (formerly Invitae), Labcorp
Classification: Uncertain significance for Hypertrophic cardiomyopathy; Primary dilated cardiomyopathy. Last evaluated: 2022-11-10. Review status: criteria provided, single submitter. Criteria: Invitae Variant Classification Sherloc (09022015). Collection method: clinical testing. Allele origin: germline.
Comment: This variant is not present in population databases (gnomAD no frequency). In summary, the available evidence is currently insufficient to determine the role of this variant in disease. Therefore, it has been classified as a Variant of Uncertain Significance. Algorithms developed to predict the effect of missense changes on protein structure and function (SIFT, PolyPhen-2, Align-GVGD) all suggest that this variant is likely to be disruptive. This variant has not been reported in the literature in individuals affected with PDLIM3-related conditions. This sequence change replaces glycine, which is neutral and non-polar, with valine, which is neutral and non-polar, at codon 303 of the PDLIM3 protein (p.Gly303Val).

NM_014476.6(PDLIM3):c.908G>T (p.Gly303Val)

Gene: PDLIM3 (PDZ and LIM domain 3; minus strand). Cytogenetic location: 4q35.1.
Variant type: single nucleotide variant.
Coding change: c.908G>T on transcript NM_014476.6 (MANE Select); coding-DNA position 908, G replaced by T.
Protein change: p.Gly303Val; replaces glycine 303 with valine.
Molecular consequence: missense variant. On other transcripts: non-coding transcript variant (1).
Genome position (GRCh38, 1-based): chr4:185,502,481, C>A on the plus strand (G>T on the coding strand, the complement: PDLIM3 is on the minus strand). VCF-style: chr4-185502481-C-A. GRCh37 (hg19) VCF-style: chr4-186423635-C-A.
Other names: c.764G>T, p.Gly255Val (NM_001114107.5); c.644G>T, p.Gly215Val (NM_001257962.2); c.407G>T, p.Gly136Val (NM_001257963.2); short protein forms G136V, G303V, G215V, G255V.
Identifiers: ClinVar variation 2941455 (VCV002941455.3), dbSNP rs2095688770, ClinGen allele CA358919925.